The following is an entry in ClinVar:

NM_020812.4(DOCK6):c.1625C>T (p.Ala542Val)

Gene: DOCK6 (dedicator of cytokinesis 6; minus strand). Cytogenetic location: 19p13.2.
Variant type: single nucleotide variant.
Coding change: c.1625C>T on transcript NM_020812.4 (MANE Select); coding-DNA position 1625, C replaced by T.
Protein change: p.Ala542Val; replaces alanine 542 with valine.
Molecular consequence: missense variant.
Genome position (GRCh38, 1-based): chr19:11,242,063, G>A on the plus strand (C>T on the coding strand, the complement: DOCK6 is on the minus strand). VCF-style: chr19-11242063-G-A. GRCh37 (hg19) VCF-style: chr19-11352739-G-A.
Other names: c.1625C>T, p.Ala542Val (NM_001367830.1); short protein forms A542V.
Identifiers: ClinVar variation 1466798 (VCV001466798.8), dbSNP rs2079954932, ClinGen allele CA404107235.

ClinVar aggregate classification (germline): Uncertain significance (1 of 4 stars; one submission).

gnomAD v4.1: 2 of 1,558,058 alleles (0.00013%); highest among the groups gnomAD compares: Admixed American, 0.0023%; no homozygotes.

Submission:

Labcorp Genetics (formerly Invitae), Labcorp
Classification: Uncertain significance. Last evaluated: 2022-06-13. Review status: criteria provided, single submitter. Criteria: Invitae Variant Classification Sherloc (09022015). Collection method: clinical testing. Allele origin: germline.
Comment: This sequence change replaces alanine, which is neutral and non-polar, with valine, which is neutral and non-polar, at codon 542 of the DOCK6 protein (p.Ala542Val). This variant is not present in population databases (gnomAD no frequency). In summary, the available evidence is currently insufficient to determine the role of this variant in disease. Therefore, it has been classified as a Variant of Uncertain Significance. Algorithms developed to predict the effect of missense changes on protein structure and function (SIFT, PolyPhen-2, Align-GVGD) all suggest that this variant is likely to be tolerated. This variant has not been reported in the literature in individuals affected with DOCK6-related conditions.